The following is an entry in ClinVar:

ClinVar aggregate classification (germline): Conflicting classifications of pathogenicity. Review status: criteria provided, conflicting classifications (1 of 4 stars). 2 submissions from 2 submitters: Uncertain significance (1); Likely benign (1). Last evaluated 2025-11-18.

Allele frequency attached by ClinVar (database versions not stated): gnomAD exomes below 0.00001; ExAC 0.00002; gnomAD 0.00001.
gnomAD v4.1: 7 of 1,614,106 alleles (0.00043%); highest among the groups gnomAD compares: Admixed American, 0.0017%; no homozygotes.

Submissions (2):

Labcorp Genetics (formerly Invitae), Labcorp
Classification: Likely benign. Last evaluated: 2025-11-18. Review status: criteria provided, single submitter. Criteria: Invitae Variant Classification Sherloc (09022015). Collection method: clinical testing. Allele origin: germline.

Women's Health and Genetics/Laboratory Corporation of America, LabCorp
Classification: Uncertain significance. Last evaluated: 2025-03-29. Review status: criteria provided, single submitter. Criteria: LabCorp Variant Classification Summary - May 2015. Collection method: clinical testing. Allele origin: germline.
Comment: Variant summary: KAT6A c.101A>G (p.Asn34Ser) results in a conservative amino acid change in the encoded protein sequence. Three of five in-silico tools predict a benign effect of the variant on protein function. The variant allele was found at a frequency of 1.2e-05 in 251460 control chromosomes. The available data on variant occurrences in the general population are insufficient to allow any conclusion about variant significance. c.101A>G has been reported in the heterozygous state in the literature in at least 1 individual affected with craniosynostosis (example, Clarke_2018). These report(s) do not provide unequivocal conclusions about association of the variant with Arboleda-Tham Syndrome. To our knowledge, no experimental evidence demonstrating an impact on protein function has been reported. The following publication has been ascertained in the context of this evaluation (PMID: 29168297). ClinVar contains an entry for this variant (Variation ID: 2910217). Based on the evidence outlined above, the variant was classified as uncertain significance.

Literature cited by the submitters: PubMed 29168297 (cited by Women's Health and Genetics/Laboratory Corporation of America, LabCorp).

NM_006766.5(KAT6A):c.101A>G (p.Asn34Ser)

Gene: KAT6A (lysine acetyltransferase 6A; minus strand). Cytogenetic location: 8p11.21.
Variant type: single nucleotide variant.
Coding change: c.101A>G on transcript NM_006766.5 (MANE Select); coding-DNA position 101, A replaced by G.
Protein change: p.Asn34Ser; replaces asparagine 34 with serine.
Molecular consequence: missense variant.
Genome position (GRCh38, 1-based): chr8:42,048,877, T>C on the plus strand (A>G on the coding strand, the complement: KAT6A is on the minus strand). VCF-style: chr8-42048877-T-C. GRCh37 (hg19) VCF-style: chr8-41906395-T-C.
Other names: c.101A>G, p.Asn34Ser (NM_001305878.2); short protein forms N34S.
Identifiers: ClinVar variation 2910217 (VCV002910217.4), dbSNP rs765258483, ClinGen allele CA4730475.